The following is an entry in ClinVar:

ClinVar aggregate classification (germline): Likely benign. Review status: criteria provided, single submitter (1 of 4 stars). 2 submissions from 2 submitters: Likely benign (1). 1 of the submissions does not count toward it. Last evaluated 2025-02-06.

Conditions:
DCHS1-related disorder. Also called: DCHS1-related condition.

Allele frequency attached by ClinVar (database versions not stated): gnomAD exomes below 0.00001.
gnomAD v4.1: 6 of 1,612,362 alleles (0.00037%); highest among the groups gnomAD compares: Non-Finnish European, 0.00051%; no homozygotes.

Submissions (2):

Labcorp Genetics (formerly Invitae), Labcorp
Classification: Likely benign. Last evaluated: 2025-02-06. Review status: criteria provided, single submitter. Criteria: Invitae Variant Classification Sherloc (09022015). Collection method: clinical testing. Allele origin: germline.

PreventionGenetics, part of Exact Sciences
Classification: Likely benign for DCHS1-related condition. Last evaluated: 2022-06-21. Review status: no assertion criteria provided. Collection method: clinical testing. Allele origin: germline. Not counted in ClinVar's aggregate classification.
Comment: This variant is classified as likely benign based on ACMG/AMP sequence variant interpretation guidelines (Richards et al. 2015 PMID: 25741868, with internal and published modifications).

NM_003737.4(DCHS1):c.6624C>T (p.Tyr2208=)

Gene: DCHS1 (dachsous cadherin-related 1; minus strand). Cytogenetic location: 11p15.4.
Variant type: single nucleotide variant.
Coding change: c.6624C>T on transcript NM_003737.4 (MANE Select); coding-DNA position 6624, C replaced by T.
Protein change: p.Tyr2208=; no amino-acid change (tyrosine 2208 retained).
Molecular consequence: synonymous variant.
Genome position (GRCh38, 1-based): chr11:6,626,027, G>A on the plus strand (C>T on the coding strand, the complement: DCHS1 is on the minus strand). VCF-style: chr11-6626027-G-A. GRCh37 (hg19) VCF-style: chr11-6647258-G-A.
Other names: c.6624C>T (NM_003737.3).
Identifiers: ClinVar variation 3002430 (VCV003002430.5), dbSNP rs1358779701, ClinGen allele CA472925296.